The following is an entry in ClinVar:

NM_001035.3(RYR2):c.13255T>A (p.Phe4419Ile)

Genes: RYR2 (ryanodine receptor 2; plus strand), LOC126806068 (BRD4-independent group 4 enhancer GRCh37_chr1:237947411-237948610; plus strand). Cytogenetic location: 1q43.
Variant type: single nucleotide variant.
Coding change: c.13255T>A on transcript NM_001035.3 (MANE Select); coding-DNA position 13255, T replaced by A.
Protein change: p.Phe4419Ile; replaces phenylalanine 4419 with isoleucine.
Molecular consequence: missense variant.
Genome position (GRCh38, 1-based): chr1:237,784,967, T>A. VCF-style: chr1-237784967-T-A. GRCh37 (hg19) VCF-style: chr1-237948267-T-A.
Other names: short protein forms F4419I.
Identifiers: ClinVar variation 919523 (VCV000919523.3), dbSNP rs866127660, ClinGen allele CA345415687.
Genomic context (GRCh38, chr1:237,784,967, plus strand): 5'-AATGCTGGGCTCAGTGACCTCATGAGCAACCCAGTCCCCATGCCTGAGGTGCAGGAAAAA[T>A]TTCAGGTAATTTATCTCTAAGTCACAGCAGCATTCTCTCTGGACTTCAGGTGGGTATAAT-3'
Protein context (NP_001026.2, residues 4409-4429): PVPMPEVQEK[Phe4419Ile]QEQKAKEEEK

ClinVar aggregate classification (germline): Uncertain significance (1 of 4 stars; one submission).

Conditions:
Cardiomyopathy (CMYO). Also called: Cardiomyopathies. Identifiers: Orphanet 167848, MedGen C0878544, MONDO:0004994, HP:0001638. Inheritance: Various modes of inheritance.

Submission:

Color Diagnostics, LLC DBA Color Health
Classification: Uncertain significance for Cardiomyopathy. Last evaluated: 2019-04-08. Review status: criteria provided, single submitter. Criteria: ACMG Guidelines, 2015. Collection method: clinical testing. Allele origin: germline.
Comment: This missense variant replaces phenylalanine with isoleucine at codon 4419 of the RYR2 protein. Computational prediction tools and conservation analyses suggest that this variant may not impact the protein function. Computational splicing tools suggest that this variant may not impact RNA splicing. To our knowledge, functional assays have not been performed for this variant nor has this variant been reported in individuals affected with cardiovascular disorders in the literature. This variant has not been identified in the general population by the Genome Aggregation Database (gnomAD). Available evidence is insufficient to determine the role of this variant in disease conclusively. Therefore, this variant is classified as a Variant of Uncertain Significance.